The following is an entry in ClinVar:

ClinVar aggregate classification (germline): Uncertain significance. Review status: criteria provided, multiple submitters, no conflicts (2 of 4 stars). 2 submissions from 2 submitters: Uncertain significance (2). Last evaluated 2026-07-08.

Conditions:
SACS-related disorder. Also called: SACS-related condition.
Charlevoix-Saguenay spastic ataxia (SACS). Also called: Spastic ataxia of Charlevoix-Saguenay; SPASTIC ATAXIA 6, AUTOSOMAL RECESSIVE; AUTOSOMAL RECESSIVE SPASTIC ATAXIA OF CHARLEVOIX-SAGUENAY. Identifiers: Orphanet 98, MedGen C1849140, MONDO:0010041, OMIM 270550.

gnomAD v4.1: 6 of 1,613,824 alleles (0.00037%); highest among the groups gnomAD compares: African/African-American, 0.004%; no homozygotes.

Submissions (2):

PreventionGenetics, part of Exact Sciences
Classification: Uncertain significance for SACS-related condition. Last evaluated: 2026-07-08. Review status: criteria provided, single submitter. Criteria: ACMG Guidelines, 2015. Collection method: clinical testing. Allele origin: germline.
Comment: The SACS c.7222G>A variant is predicted to result in the amino acid substitution p.Asp2408Asn. To our knowledge, this variant has not been reported in the literature. This variant is reported in 0.00088% of alleles in individuals of European (non-Finnish) descent in gnomAD. At this time, the clinical significance of this variant is uncertain due to the absence of conclusive functional and genetic evidence.

Revvity Omics, Revvity
Classification: Uncertain significance for Charlevoix-Saguenay spastic ataxia. Last evaluated: 2021-05-10. Review status: criteria provided, single submitter. Criteria: ACMG Guidelines, 2015. Collection method: clinical testing. Allele origin: germline.

NM_014363.6(SACS):c.7222G>A (p.Asp2408Asn)

Gene: SACS (sacsin molecular chaperone; minus strand). Cytogenetic location: 13q12.12.
Variant type: single nucleotide variant.
Coding change: c.7222G>A on transcript NM_014363.6 (MANE Select); coding-DNA position 7222, G replaced by A.
Protein change: p.Asp2408Asn; replaces aspartic acid 2408 with asparagine.
Molecular consequence: missense variant.
Genome position (GRCh38, 1-based): chr13:23,336,654, C>T on the plus strand (G>A on the coding strand, the complement: SACS is on the minus strand). VCF-style: chr13-23336654-C-T. GRCh37 (hg19) VCF-style: chr13-23910793-C-T.
Other names: c.6781G>A, p.Asp2261Asn (NM_001278055.2); c.7222G>A (NM_014363.5); short protein forms D2261N, D2408N.
Identifiers: ClinVar variation 2435642 (VCV002435642.4), dbSNP rs760023825, ClinGen allele CA6910947.